The following is an entry in ClinVar:

ClinVar aggregate classification (germline): Uncertain significance (1 of 4 stars; one submission).

Conditions:
Mast syndrome. Also called: SPASTIC PARAPLEGIA 21, AUTOSOMAL RECESSIVE. Identifiers: Orphanet 101001, MedGen C1855346, MONDO:0009568, OMIM 248900.

Allele frequency attached by ClinVar (database versions not stated): gnomAD 0.00001; gnomAD exomes 0.00001; TOPMed 0.00001; ExAC 0.00002; ESP Exome Variant Server 0.00008.
gnomAD v4.1: 24 of 1,614,088 alleles (0.0015%); highest among the groups gnomAD compares: Middle Eastern, 0.016%; no homozygotes.

Submission:

Labcorp Genetics (formerly Invitae), Labcorp
Classification: Uncertain significance for Mast syndrome. Last evaluated: 2022-12-31. Review status: criteria provided, single submitter. Criteria: Invitae Variant Classification Sherloc (09022015). Collection method: clinical testing. Allele origin: germline.
Comment: In summary, the available evidence is currently insufficient to determine the role of this variant in disease. Therefore, it has been classified as a Variant of Uncertain Significance. Algorithms developed to predict the effect of missense changes on protein structure and function (SIFT, PolyPhen-2, Align-GVGD) all suggest that this variant is likely to be disruptive. ClinVar contains an entry for this variant (Variation ID: 648202). This variant has not been reported in the literature in individuals affected with SPG21-related conditions. This variant is present in population databases (rs374212037, gnomAD 0.002%). This sequence change replaces asparagine, which is neutral and polar, with serine, which is neutral and polar, at codon 135 of the SPG21 protein (p.Asn135Ser).

NM_016630.7(SPG21):c.404A>G (p.Asn135Ser)

Gene: SPG21 (SPG21 abhydrolase domain containing, maspardin; minus strand). Cytogenetic location: 15q22.31.
Variant type: single nucleotide variant.
Coding change: c.404A>G on transcript NM_016630.7 (MANE Select); coding-DNA position 404, A replaced by G.
Protein change: p.Asn135Ser; replaces asparagine 135 with serine.
Molecular consequence: missense variant.
Genome position (GRCh38, 1-based): chr15:64,974,650, T>C on the plus strand (A>G on the coding strand, the complement: SPG21 is on the minus strand). VCF-style: chr15-64974650-T-C. GRCh37 (hg19) VCF-style: chr15-65266988-T-C.
Other names: c.404A>G, p.Asn135Ser (NM_001127889.5); c.323A>G, p.Asn108Ser (NM_001127890.5); short protein forms N135S, N108S.
Identifiers: ClinVar variation 648202 (VCV000648202.7), dbSNP rs374212037, ClinGen allele CA7612969.
Genomic context (GRCh38, chr15:64,974,650, plus strand): 5'-TTTTGTTCTTACCTGTTTGCAGTCCAAGTTTGGTTGAAGATAGAGGTGTCACTGAAGGAA[T>C]TGCAGAGGATTAGGGAATGGACTCTAGGAGATTTGTGAGTGTATTCAGCAAATTTCTGGG-3'
Protein context (NP_057714.1, residues 125-145): SPRVHSLILC[Asn135Ser]SFSDTSIFNQ